The following is an entry in ClinVar:

ClinVar aggregate classification (germline): not provided (0 of 4 stars; one submission).

Allele frequency attached by ClinVar (database versions not stated): gnomAD exomes 0.00001 and 0.00002.

Submission:

ITMI
No classification provided. Condition: AllHighlyPenetrant. Last evaluated: 2013-09-19. Review status: no classification provided. Collection method: reference population. Allele origin: germline.
Comment: Please see associated publication for description of ethnicities

Literature cited by the submitters: PubMed 24728327.

NM_017709.4(TENT5C):c.773C>T (p.Thr258Ile)

Gene: TENT5C (terminal nucleotidyltransferase 5C; plus strand). Cytogenetic location: 1p12.
Variant type: single nucleotide variant.
Coding change: c.773C>T on transcript NM_017709.4 (MANE Select); coding-DNA position 773, C replaced by T.
Protein change: p.Thr258Ile; replaces threonine 258 with isoleucine.
Molecular consequence: missense variant.
Genome position (GRCh38, 1-based): chr1:117,623,641, C>T. VCF-style: chr1-117623641-C-T. GRCh37 (hg19) VCF-style: chr1-118166263-C-T.
Other names: short protein forms T258I.
Identifiers: ClinVar variation 134230 (VCV000134230.1), dbSNP rs587778306, ClinGen allele CA159211.
Genomic context (GRCh38, chr1:117,623,641, plus strand): 5'-AAATCAGAGGCGGGGGACTTCTCAAGTACAGCAACCTTCTTGTGCGGGACTTCAGGCCCA[C>T]AGACCAGGAAGAAATCAAAACTCTAGAGCGCTACATGTGCTCCAGGTTCTTCATCGACTT-3'
Protein context (NP_060179.2, residues 248-268): SNLLVRDFRP[Thr258Ile]DQEEIKTLER